The following is an entry in ClinVar:

NM_000218.3(KCNQ1):c.1394-17945C>T

Genes: KCNQ1 (potassium voltage-gated channel subfamily Q member 1; plus strand), KCNQ1OT1 (KCNQ1 opposite strand/antisense transcript 1; minus strand). Cytogenetic location: 11p15.5.
Variant type: single nucleotide variant.
Coding change: c.1394-17945C>T on transcript NM_000218.3 (MANE Select); 17945 bases into the intron before coding-DNA position 1394, C replaced by T.
Molecular consequence: intron variant.
Genome position (GRCh38, 1-based): chr11:2,644,016, C>T. VCF-style: chr11-2644016-C-T. GRCh37 (hg19) VCF-style: chr11-2665246-C-T.
Other names: c.1124-17945C>T (NM_001406837.1); c.1298-17945C>T (NM_001406836.1); c.854-17945C>T (NM_001406838.1); c.1013-17945C>T (NM_181798.2).
Identifiers: ClinVar variation 1711283 (VCV001711283.30), dbSNP rs76483719, ClinGen allele CA216156636.
Genomic context (GRCh38, chr11:2,644,016, plus strand): 5'-CTGAAAAATCTGTTAGTCTGCAGGTTGTTCCCTTGTAAGTGTCTACAACCTCTTTTATCG[C>T]TGGTTTTATGATTCTCTCTTTGTCTTGGGATGGGCAATTTGCTATAATGTGCTGTGGAAA-3'

ClinVar aggregate classification (germline): Likely benign (1 of 4 stars; one submission).

Allele frequency attached by ClinVar (database versions not stated): 1000 Genomes Project 0.00180; 1000 Genomes Project 30x 0.00187; gnomAD 0.00353; TOPMed 0.00411; gnomAD exomes 0.00510.
gnomAD v4.1: 1,855 of 398,494 alleles (0.47%); highest among the groups gnomAD compares: Middle Eastern, 0.69%; 16 homozygotes.

Submission:

CeGaT Center for Human Genetics Tuebingen
Classification: Likely benign. Last evaluated: 2026-09-01. Review status: criteria provided, single submitter. Criteria: CeGaT Center For Human Genetics Tuebingen Variant Classification Criteria Version 2. Collection method: clinical testing. Allele origin: germline. Affected: yes. Observed: 93 variant alleles.
Comment: KCNQ1OT1: BS2